The following is an entry in ClinVar:

ClinVar aggregate classification (germline): Conflicting classifications of pathogenicity. Review status: criteria provided, conflicting classifications (1 of 4 stars). 3 submissions from 3 submitters: Uncertain significance (1); Likely benign (2). Last evaluated 2025-12-01.

Allele frequency attached by ClinVar (database versions not stated): ESP Exome Variant Server 0.00015.

Submissions (3):

Labcorp Genetics (formerly Invitae), Labcorp
Classification: Likely benign. Last evaluated: 2025-12-01. Review status: criteria provided, single submitter. Criteria: Invitae Variant Classification Sherloc (09022015). Collection method: clinical testing. Allele origin: germline.

CeGaT Center for Human Genetics Tuebingen
Classification: Likely benign. Last evaluated: 2023-08-01. Review status: criteria provided, single submitter. Criteria: CeGaT Center For Human Genetics Tuebingen Variant Classification Criteria Version 2. Collection method: clinical testing. Allele origin: germline. Affected: yes. Observed: 7 variant alleles.
Comment: TGM6: PM2:Supporting, BP4, BP7

Athena Diagnostics
Classification: Uncertain significance. Last evaluated: 2019-12-27. Review status: criteria provided, single submitter. Criteria: Athena Diagnostics Criteria. Collection method: clinical testing. Allele origin: unknown.

NM_198994.3(TGM6):c.1431G>A (p.Gly477=)

Gene: TGM6 (transglutaminase 6; plus strand). Cytogenetic location: 20p13.
Variant type: single nucleotide variant.
Coding change: c.1431G>A on transcript NM_198994.3 (MANE Select); coding-DNA position 1431, G replaced by A.
Protein change: p.Gly477=; no amino-acid change (glycine 477 retained).
Molecular consequence: synonymous variant.
Genome position (GRCh38, 1-based): chr20:2,417,326, G>A. VCF-style: chr20-2417326-G-A. GRCh37 (hg19) VCF-style: chr20-2397972-G-A.
Other names: c.1431G>A, p.Gly477= (NM_001254734.2).
Identifiers: ClinVar variation 809217 (VCV000809217.48), dbSNP rs373549904, ClinGen allele CA310850118.